The following is an entry in ClinVar:

NM_000038.6(APC):c.665A>G (p.Gln222Arg)

Gene: APC (APC regulator of Wnt signaling pathway; plus strand). Cytogenetic location: 5q22.2.
Variant type: single nucleotide variant.
Coding change: c.665A>G on transcript NM_000038.6 (MANE Select); coding-DNA position 665, A replaced by G.
Protein change: p.Gln222Arg; replaces glutamine 222 with arginine.
Molecular consequence: missense variant. On other transcripts: 5 prime UTR variant (4), non-coding transcript variant (2), intron variant (5).
Genome position (GRCh38, 1-based): chr5:112,792,465, A>G. VCF-style: chr5-112792465-A-G. GRCh37 (hg19) VCF-style: chr5-112128162-A-G.
Other names: c.665A>G, p.Gln222Arg (NM_001127510.3, NM_001354895.2, NM_001354896.2 and 12 more transcripts); c.695A>G, p.Gln232Arg (NM_001354897.2, NM_001354902.2, NM_001407446.1); c.590A>G, p.Gln197Arg (NM_001354898.2, NM_001354904.2, NM_001407451.1); c.488A>G, p.Gln163Arg (NM_001354900.2, NM_001354901.2, NM_001354905.2 and 1 more transcripts); c.-371A>G (NM_001354906.2, NM_001407470.1, NM_001407471.1 and 1 more transcripts); c.646-8814A>G (NM_001407452.1, NM_001407469.1, NM_001354899.2 and 1 more transcripts); c.676-8814A>G (NM_001127511.3); short protein forms Q163R, Q222R, Q232R, Q197R.
Identifiers: ClinVar variation 3928726 (VCV003928726.1).

ClinVar aggregate classification (germline): Uncertain significance (1 of 4 stars; one submission).

Conditions:
Hereditary cancer-predisposing syndrome. Also called: Hereditary Cancer Syndrome; Hereditary neoplastic syndrome; Neoplastic Syndromes, Hereditary; Tumor predisposition. Identifiers: Orphanet 140162, MedGen C0027672, MeSH D009386, MONDO:0015356.

gnomAD v4.1: 3 of 1,610,746 alleles (0.00019%); highest among the groups gnomAD compares: Non-Finnish European, 0.00017%; no homozygotes.

Submission:

Ambry Genetics
Classification: Uncertain significance for Hereditary cancer-predisposing syndrome. Last evaluated: 2025-04-16. Review status: criteria provided, single submitter. Criteria: Ambry Variant Classification Scheme 2023. Collection method: clinical testing. Allele origin: germline.
Comment: The p.Q222R variant (also known as c.665A>G), located in coding exon 6 of the APC gene, results from an A to G substitution at nucleotide position 665. The glutamine at codon 222 is replaced by arginine, an amino acid with highly similar properties. This amino acid position is conserved. In addition, in silico predictors for this gene do not accurately predict pathogenicity. Based on the available evidence, the clinical significance of this variant remains unclear.